The following is an entry in ClinVar:

NM_002471.4(MYH6):c.4964C>A (p.Thr1655Asn)

Genes: MYH6 (myosin heavy chain 6; minus strand), LOC126861896 (BRD4-independent group 4 enhancer GRCh37_chr14:23854904-23856103; plus strand). Cytogenetic location: 14q11.2.
Variant type: single nucleotide variant.
Coding change: c.4964C>A on transcript NM_002471.4 (MANE Select); coding-DNA position 4964, C replaced by A.
Protein change: p.Thr1655Asn; replaces threonine 1655 with asparagine.
Molecular consequence: missense variant.
Genome position (GRCh38, 1-based): chr14:23,386,127, G>T on the plus strand (C>A on the coding strand, the complement: MYH6 is on the minus strand). VCF-style: chr14-23386127-G-T. GRCh37 (hg19) VCF-style: chr14-23855336-G-T.
Other names: short protein forms T1655N.
Identifiers: ClinVar variation 4809345 (VCV004809345.1).

ClinVar aggregate classification (germline): Uncertain significance (1 of 4 stars; one submission).

Conditions:
Hypertrophic cardiomyopathy 14. Identifiers: MedGen C2750467, MONDO:0013197, OMIM 613251.

gnomAD v4.1: 6 of 1,614,242 alleles (0.00037%); highest among the groups gnomAD compares: East Asian, 0.013%; no homozygotes.

Submission:

Labcorp Genetics (formerly Invitae), Labcorp
Classification: Uncertain significance for Hypertrophic cardiomyopathy 14. Last evaluated: 2025-09-01. Review status: criteria provided, single submitter. Criteria: Invitae Variant Classification Sherloc (09022015). Collection method: clinical testing. Allele origin: germline.
Comment: This sequence change replaces threonine, which is neutral and polar, with asparagine, which is neutral and polar, at codon 1655 of the MYH6 protein (p.Thr1655Asn). This variant is present in population databases (no rsID available, gnomAD 0.01%). This variant has not been reported in the literature in individuals affected with MYH6-related conditions. Invitae Evidence Modeling of protein sequence and biophysical properties (such as structural, functional, and spatial information, amino acid conservation, physicochemical variation, residue mobility, and thermodynamic stability) indicates that this missense variant is not expected to disrupt MYH6 protein function with a negative predictive value of 80%. In summary, the available evidence is currently insufficient to determine the role of this variant in disease. Therefore, it has been classified as a Variant of Uncertain Significance.